The following is an entry in ClinVar:

ClinVar aggregate classification (germline): Uncertain significance (1 of 4 stars; one submission).

Conditions:
Long QT syndrome (LQTS). Identifiers: MedGen C0023976, MeSH D008133, MONDO:0002442. Disease mechanism: loss of function. Inheritance: Various modes of inheritance.

Allele frequency attached by ClinVar (database versions not stated): gnomAD 0.00001.
gnomAD v4.1: 1 of 1,613,972 alleles (0.000062%); highest among the groups gnomAD compares: African/African-American, 0.0013%; no homozygotes.

Submission:

Labcorp Genetics (formerly Invitae), Labcorp
Classification: Uncertain significance for Long QT syndrome. Last evaluated: 2023-07-07. Review status: criteria provided, single submitter. Criteria: Invitae Variant Classification Sherloc (09022015). Collection method: clinical testing. Allele origin: germline.
Comment: This variant has not been reported in the literature in individuals affected with CAV3-related conditions. ClinVar contains an entry for this variant (Variation ID: 1394284). An algorithm developed to predict the effect of missense changes on protein structure and function (PolyPhen-2) suggests that this variant is likely to be disruptive. This sequence change replaces cysteine, which is neutral and slightly polar, with arginine, which is basic and polar, at codon 124 of the CAV3 protein (p.Cys124Arg). This variant is present in population databases (no rsID available, gnomAD 0.01%). In summary, the available evidence is currently insufficient to determine the role of this variant in disease. Therefore, it has been classified as a Variant of Uncertain Significance.

NM_033337.3(CAV3):c.370T>C (p.Cys124Arg)

Genes: CAV3 (caveolin 3; plus strand), OXTR (oxytocin receptor; minus strand). Cytogenetic location: 3p25.3.
Variant type: single nucleotide variant.
Coding change: c.370T>C on transcript NM_033337.3 (MANE Select); coding-DNA position 370, T replaced by C.
Protein change: p.Cys124Arg; replaces cysteine 124 with arginine.
Molecular consequence: missense variant.
Genome position (GRCh38, 1-based): chr3:8,745,781, T>C. VCF-style: chr3-8745781-T-C. GRCh37 (hg19) VCF-style: chr3-8787467-T-C.
Other names: c.370T>C, p.Cys124Arg (NM_001234.5); short protein forms C124R.
Identifiers: ClinVar variation 1394284 (VCV001394284.8), dbSNP rs1428912621, ClinGen allele CA351663627.
Genomic context (GRCh38, chr3:8,745,781, plus strand): 5'-GTGCCATGCATTAAGAGCTACCTGATCGAGATCCAGTGCATCAGCCACATCTACTCACTC[T>C]GCATCCGCACCTTCTGCAACCCACTCTTCGCGGCCCTGGGCCAGGTCTGCAGCAGCATCA-3'
Protein context (NP_203123.1, residues 114-134): IQCISHIYSL[Cys124Arg]IRTFCNPLFA